The following is an entry in ClinVar:

ClinVar aggregate classification (germline): Benign. Review status: criteria provided, multiple submitters, no conflicts (2 of 4 stars). 6 submissions from 6 submitters: Benign (5). 1 of the submissions does not count toward it. Last evaluated 2026-01-29.

Conditions:
Isolated microphthalmia 6. Also called: MICROPHTHALMIA, POSTERIOR NONSYNDROMIC. Identifiers: Orphanet 2542, MedGen C3150757, MONDO:0013293, OMIM 613517.

Allele frequency attached by ClinVar (database versions not stated): gnomAD 0.04318; TOPMed 0.04454; ExAC 0.10499; 1000 Genomes Project 0.02137; 1000 Genomes Project 30x 0.02514.
gnomAD v4.1: 89,187 of 1,495,064 alleles (6%); highest among the groups gnomAD compares: Middle Eastern, 7.9%; 3,010 homozygotes.

Submissions (6):

Labcorp Genetics (formerly Invitae), Labcorp
Classification: Benign for Isolated microphthalmia 6. Last evaluated: 2026-01-29. Review status: criteria provided, single submitter. Criteria: Invitae Variant Classification Sherloc (09022015). Collection method: clinical testing. Allele origin: germline.

Mendelics
Classification: Benign for Isolated microphthalmia 6. Last evaluated: 2019-05-28. Review status: criteria provided, single submitter. Criteria: Mendelics Assertion Criteria 2017. Collection method: clinical testing. Allele origin: unknown.

GeneDx
Classification: Benign. Last evaluated: 2018-07-09. Review status: criteria provided, single submitter. Criteria: GeneDx Variant Classification Process June 2021. Collection method: clinical testing. Allele origin: germline. Affected: yes.
Comment: This variant is associated with the following publications: (PMID: 27884173, 21532570)

Laboratory for Molecular Medicine, Mass General Brigham Personalized Medicine
Classification: Benign. Last evaluated: 2016-03-28. Review status: criteria provided, single submitter. Criteria: LMM Criteria. Collection method: clinical testing. Allele origin: germline.
Comment: Variant identified in a genome or exome case(s) and assessed due to predicted null impact of the variant or pathogenic assertions in the literature or databases. Disclaimer: This variant has not undergone full assessment. The following are preliminary notes: Frequency in 1000Genomes: 51/2178=2.34%

Breakthrough Genomics
Classification: Benign. Review status: criteria provided, single submitter. Criteria: ACMG Guidelines, 2015. Collection method: not provided. Allele origin: germline. Inheritance: Autosomal recessive inheritance. Affected: yes.

OMIM
Classification: Pathogenic for MICROPHTHALMIA, ISOLATED 6. Last evaluated: 2011-06-01. Review status: no assertion criteria provided. Collection method: literature only. Allele origin: germline. Not counted in ClinVar's aggregate classification.

Literature cited by the submitters: PubMed 19526372 (cited by OMIM); PubMed 21532570 (cited by OMIM).

NM_001195129.2(PRSS56):c.1795C>G (p.Pro599Ala)

Gene: PRSS56 (serine protease 56; plus strand). Cytogenetic location: 2q37.1.
Variant type: single nucleotide variant.
Coding change: c.1795C>G on transcript NM_001195129.2 (MANE Select); coding-DNA position 1795, C replaced by G.
Protein change: p.Pro599Ala; replaces proline 599 with alanine.
Molecular consequence: missense variant.
Genome position (GRCh38, 1-based): chr2:232,525,489, C>G. VCF-style: chr2-232525489-C-G. GRCh37 (hg19) VCF-style: chr2-233390199-C-G.
Other names: c.1798C>G, p.Pro600Ala (NM_001369848.1); short protein forms P599A, P600A.
Identifiers: ClinVar variation 31078 (VCV000031078.14), dbSNP rs61744404, ClinGen allele CA129651.